The following is an entry in ClinVar:

NM_001352754.2(ARMC9):c.550G>T (p.Ala184Ser)

Gene: ARMC9 (armadillo repeat containing 9; plus strand). Cytogenetic location: 2q37.1.
Variant type: single nucleotide variant.
Coding change: c.550G>T on transcript NM_001352754.2 (MANE Select); coding-DNA position 550, G replaced by T.
Protein change: p.Ala184Ser; replaces alanine 184 with serine.
Molecular consequence: missense variant. On other transcripts: non-coding transcript variant (1).
Genome position (GRCh38, 1-based): chr2:231,222,773, G>T. VCF-style: chr2-231222773-G-T. GRCh37 (hg19) VCF-style: chr2-232087486-G-T.
Other names: c.550G>T, p.Ala184Ser (NM_001271466.4, NM_001291656.2, NM_001352755.2 and 5 more transcripts); short protein forms A184S.
Identifiers: ClinVar variation 1363667 (VCV001363667.4), dbSNP rs753133975, ClinGen allele CA2159967.

ClinVar aggregate classification (germline): Uncertain significance (1 of 4 stars; one submission).

Allele frequency attached by ClinVar (database versions not stated): gnomAD exomes below 0.00001; ExAC 0.00001; gnomAD 0.00001; TOPMed 0.00001.

Submission:

Labcorp Genetics (formerly Invitae), Labcorp
Classification: Uncertain significance. Last evaluated: 2022-03-09. Review status: criteria provided, single submitter. Criteria: Invitae Variant Classification Sherloc (09022015). Collection method: clinical testing. Allele origin: germline.
Comment: In summary, the available evidence is currently insufficient to determine the role of this variant in disease. Therefore, it has been classified as a Variant of Uncertain Significance. Experimental studies and prediction algorithms are not available or were not evaluated, and the functional significance of this variant is currently unknown. This variant has not been reported in the literature in individuals affected with ARMC9-related conditions. This variant is not present in population databases (gnomAD no frequency). This sequence change replaces alanine, which is neutral and non-polar, with serine, which is neutral and polar, at codon 184 of the ARMC9 protein (p.Ala184Ser).